The following is an entry in ClinVar:

NM_022124.6(CDH23):c.3528G>A (p.Leu1176=)

Genes: C10orf105 (chromosome 10 open reading frame 105; minus strand), CDH23 (cadherin related 23; plus strand). Cytogenetic location: 10q22.1.
Variant type: single nucleotide variant.
Coding change: c.3528G>A on transcript NM_022124.6 (MANE Select); coding-DNA position 3528, G replaced by A.
Protein change: p.Leu1176=; no amino-acid change (leucine 1176 retained).
Molecular consequence: synonymous variant. On other transcripts: intron variant (1).
Genome position (GRCh38, 1-based): chr10:71,725,469, G>A. VCF-style: chr10-71725469-G-A. GRCh37 (hg19) VCF-style: chr10-73485226-G-A.
Other names: c.3528G>A, p.Leu1176= (NM_001171930.2); c.-5-9127C>T (NM_001168390.2).
Identifiers: ClinVar variation 1103090 (VCV001103090.11), dbSNP rs2132805565, ClinGen allele CA470066225.

ClinVar aggregate classification (germline): Likely benign. Review status: criteria provided, single submitter (1 of 4 stars). 2 submissions from 2 submitters: Likely benign (1). 1 of the submissions does not count toward it. Last evaluated 2025-12-01.

Conditions:
CDH23-related disorder. Also called: CDH23-related condition; CDH23-related disorders.

Submissions (2):

Labcorp Genetics (formerly Invitae), Labcorp
Classification: Likely benign. Last evaluated: 2025-12-01. Review status: criteria provided, single submitter. Criteria: Invitae Variant Classification Sherloc (09022015). Collection method: clinical testing. Allele origin: germline.

PreventionGenetics, part of Exact Sciences
Classification: Likely benign for CDH23-related condition. Last evaluated: 2019-08-09. Review status: no assertion criteria provided. Collection method: clinical testing. Allele origin: germline. Not counted in ClinVar's aggregate classification.
Comment: This variant is classified as likely benign based on ACMG/AMP sequence variant interpretation guidelines (Richards et al. 2015 PMID: 25741868, with internal and published modifications).